The following is an entry in ClinVar:

NM_000256.3(MYBPC3):c.2347G>T (p.Val783Leu)

Gene: MYBPC3 (myosin binding protein C3; minus strand). Cytogenetic location: 11p11.2.
Variant type: single nucleotide variant.
Coding change: c.2347G>T on transcript NM_000256.3 (MANE Select); coding-DNA position 2347, G replaced by T.
Protein change: p.Val783Leu; replaces valine 783 with leucine.
Molecular consequence: missense variant.
Genome position (GRCh38, 1-based): chr11:47,337,756, C>A on the plus strand (G>T on the coding strand, the complement: MYBPC3 is on the minus strand). VCF-style: chr11-47337756-C-A. GRCh37 (hg19) VCF-style: chr11-47359307-C-A.
Other names: short protein forms V783L.
Identifiers: ClinVar variation 403205 (VCV000403205.16), dbSNP rs1060499878, ClinGen allele CA16609755.

ClinVar aggregate classification (germline): Uncertain significance. Review status: criteria provided, multiple submitters, no conflicts (2 of 4 stars). 5 submissions from 5 submitters: Uncertain significance (5). Last evaluated 2025-08-04.

Conditions:
Cardiomyopathy (CMYO). Also called: Cardiomyopathies. Identifiers: Orphanet 167848, MedGen C0878544, MONDO:0004994, HP:0001638. Inheritance: Various modes of inheritance.
Hypertrophic cardiomyopathy. Also called: HYPERTROPHIC MYOCARDIOPATHY. Identifiers: Orphanet 217569, MedGen C0007194, MeSH D002312, MONDO:0005045, HP:0001639.

Allele frequency attached by ClinVar (database versions not stated): gnomAD exomes below 0.00001; gnomAD 0.00001; TOPMed 0.00001.
gnomAD v4.1: 2 of 1,555,540 alleles (0.00013%); highest among the groups gnomAD compares: Non-Finnish European, 0.00017%; no homozygotes.

Submissions (5):

Color Diagnostics, LLC DBA Color Health
Classification: Uncertain significance for Cardiomyopathy. Last evaluated: 2025-08-04. Review status: criteria provided, single submitter. Criteria: ACMG Guidelines, 2015. Collection method: clinical testing. Allele origin: germline.
Comment: This missense variant replaces valine with leucine at codon 783 of the MYBPC3 protein. Computational prediction suggests that this variant may not impact protein structure and function. To our knowledge, functional studies have not been reported for this variant. This variant has been reported in 2 individuals affected with hypertrophic cardiomyopathy and has been reported to segregate with disease in one family (PMID: 22857948). This variant has been identified in 1/31338 chromosomes in the general population by the Genome Aggregation Database (gnomAD). The available evidence is insufficient to determine the role of this variant in disease conclusively. Therefore, this variant is classified as a Variant of Uncertain Significance.

All of Us Research Program, National Institutes of Health
Classification: Uncertain significance for Hypertrophic cardiomyopathy. Last evaluated: 2024-06-11. Review status: criteria provided, single submitter. Criteria: ACMG Guidelines, 2015. Collection method: clinical testing. Allele origin: germline. Inheritance: Autosomal dominant inheritance. Observed: 2 variant alleles, 2 heterozygotes.
Comment: This missense variant replaces valine with leucine at codon 783 of the MYBPC3 protein. Computational prediction suggests that this variant may not impact protein structure and function (internally defined REVEL score threshold <= 0.5, PMID: 27666373). To our knowledge, functional studies have not been reported for this variant. This variant has been reported in 2 individuals with hypertrophic cardiomyopathy, and it segregates with the disease in one family (PMID: 22857948). This variant has been identified in 1/31338 chromosomes in the general population by the Genome Aggregation Database (gnomAD). The available evidence is insufficient to determine the role of this variant in disease conclusively. Therefore, this variant is classified as a Variant of Uncertain Significance.

This study involves interpretation of variants in research participants for the purpose of population health screening. Participant phenotype was not available at the time of variant classification. Additional details can be found in publication PMID: 35346344, PMCID: PMC8962531

Labcorp Genetics (formerly Invitae), Labcorp
Classification: Uncertain significance for Hypertrophic cardiomyopathy. Last evaluated: 2024-06-05. Review status: criteria provided, single submitter. Criteria: Invitae Variant Classification Sherloc (09022015). Collection method: clinical testing. Allele origin: germline.
Comment: This sequence change replaces valine, which is neutral and non-polar, with leucine, which is neutral and non-polar, at codon 783 of the MYBPC3 protein (p.Val783Leu). This variant is present in population databases (no rsID available, gnomAD 0.007%). This missense change has been observed in individuals with hypertrophic cardiomyopathy (PMID: 22857948, 37652022). ClinVar contains an entry for this variant (Variation ID: 403205). An algorithm developed to predict the effect of missense changes on protein structure and function (PolyPhen-2) suggests that this variant is likely to be tolerated. In summary, the available evidence is currently insufficient to determine the role of this variant in disease. Therefore, it has been classified as a Variant of Uncertain Significance.

GeneDx
Classification: Uncertain significance. Last evaluated: 2023-01-13. Review status: criteria provided, single submitter. Criteria: GeneDx Variant Classification Process June 2021. Collection method: clinical testing. Allele origin: germline. Affected: yes.
Comment: Not observed at significant frequency in large population cohorts (gnomAD); In silico analysis supports that this missense variant does not alter protein structure/function; This variant is associated with the following publications: (PMID: 22857948)

Laboratory for Molecular Medicine, Mass General Brigham Personalized Medicine
Classification: Uncertain significance. Last evaluated: 2016-10-20. Review status: criteria provided, single submitter. Criteria: LMM Criteria. Collection method: clinical testing. Allele origin: germline.
Comment: Variant identified in a genome or exome case(s) and assessed due to predicted null impact of the variant or pathogenic assertions in the literature or databases. Disclaimer: This variant has not undergone full assessment.

Literature cited by the submitters: PubMed 22857948 (cited by 3 submitters); PubMed 37652022 (cited by Labcorp Genetics (formerly Invitae), Labcorp).